The following is an entry in ClinVar:

ClinVar aggregate classification (germline): Likely benign (1 of 4 stars; one submission).

Conditions:
PHIP-related disorder. Also called: PHIP-related disorders; PHIP-related condition.

gnomAD v4.1: 4 of 1,613,650 alleles (0.00025%); highest among the groups gnomAD compares: Admixed American, 0.005%; no homozygotes.

Submission:

PreventionGenetics, part of Exact Sciences
Classification: Likely benign for PHIP-related condition. Last evaluated: 2026-06-04. Review status: criteria provided, single submitter. Criteria: ACMG Guidelines, 2015. Collection method: clinical testing. Allele origin: germline.
Comment: This variant is classified as likely benign based on ACMG/AMP sequence variant interpretation guidelines (Richards et al. 2015 PMID: 25741868, with internal and published modifications).

NM_017934.7(PHIP):c.4749G>A (p.Lys1583=)

Genes: IRAK1BP1 (interleukin 1 receptor associated kinase 1 binding protein 1; plus strand), PHIP (PHIP subunit of CUL4-Ring ligase complex; minus strand). Cytogenetic location: 6q14.1.
Variant type: single nucleotide variant.
Coding change: c.4749G>A on transcript NM_017934.7 (MANE Select); coding-DNA position 4749, G replaced by A.
Protein change: p.Lys1583=; no amino-acid change (lysine 1583 retained).
Molecular consequence: synonymous variant.
Genome position (GRCh38, 1-based): chr6:78,945,379, C>T on the plus strand (G>A on the coding strand, the complement: PHIP is on the minus strand). VCF-style: chr6-78945379-C-T. GRCh37 (hg19) VCF-style: chr6-79655096-C-T.
Identifiers: ClinVar variation 4987496 (VCV004987496.1).